The following is an entry in ClinVar:

NM_003590.5(CUL3):c.1720G>C (p.Glu574Gln)

Gene: CUL3 (cullin 3; minus strand). Cytogenetic location: 2q36.2.
Variant type: single nucleotide variant.
Coding change: c.1720G>C on transcript NM_003590.5 (MANE Select); coding-DNA position 1720, G replaced by C.
Protein change: p.Glu574Gln; replaces glutamic acid 574 with glutamine.
Molecular consequence: missense variant.
Genome position (GRCh38, 1-based): chr2:224,495,954, C>G on the plus strand (G>C on the coding strand, the complement: CUL3 is on the minus strand). VCF-style: chr2-224495954-C-G. GRCh37 (hg19) VCF-style: chr2-225360671-C-G.
Other names: c.1522G>C, p.Glu508Gln (NM_001257197.2); c.1738G>C, p.Glu580Gln (NM_001257198.2); short protein forms E508Q, E574Q, E580Q.
Identifiers: ClinVar variation 2636237 (VCV002636237.2), dbSNP rs1692154622, ClinGen allele CA350825178.

ClinVar aggregate classification (germline): Uncertain significance (1 of 4 stars; one submission).

Conditions:
CUL3-related disorder. Also called: CUL3-related condition; CUL3-related disorders.

Allele frequency attached by ClinVar (database versions not stated): gnomAD exomes below 0.00001; TOPMed below 0.00001; gnomAD 0.00001.

Submission:

PreventionGenetics, part of Exact Sciences
Classification: Uncertain significance for CUL3-related condition. Last evaluated: 2025-01-24. Review status: criteria provided, single submitter. Criteria: ACMG Guidelines, 2015. Collection method: clinical testing. Allele origin: germline.
Comment: The CUL3 c.1720G>C variant is predicted to result in the amino acid substitution p.Glu574Gln. To our knowledge, this variant has not been reported in the literature or in gnomAD, indicating this variant is rare. At this time, the clinical significance of this variant is uncertain due to the absence of conclusive functional and genetic evidence.